The following is an entry in ClinVar:

ClinVar aggregate classification (germline): Uncertain significance (1 of 4 stars; one submission).

Submission:

GeneDx
Classification: Uncertain significance. Last evaluated: 2020-07-06. Review status: criteria provided, single submitter. Criteria: GeneDx Variant Classification Process June 2021. Collection method: clinical testing. Allele origin: germline. Affected: yes.
Comment: Not observed in large population cohorts (Lek et al., 2016); Nonsense variant predicted to result in protein truncation as the last 303 amino acids are lost, although loss-of-function variants have not been reported downstream of this position in the protein; Has not been previously published as pathogenic or benign to our knowledge

NM_014975.3(MAST1):c.3802G>T (p.Glu1268Ter)

Gene: MAST1 (microtubule associated serine/threonine kinase 1; plus strand). Cytogenetic location: 19p13.13.
Variant type: single nucleotide variant.
Coding change: c.3802G>T on transcript NM_014975.3 (MANE Select); coding-DNA position 3802, G replaced by T.
Protein change: p.Glu1268Ter; replaces glutamic acid 1268 with a stop codon.
Molecular consequence: nonsense.
Genome position (GRCh38, 1-based): chr19:12,873,959, G>T. VCF-style: chr19-12873959-G-T. GRCh37 (hg19) VCF-style: chr19-12984773-G-T.
Other names: short protein forms E1268*.
Identifiers: ClinVar variation 1312970 (VCV001312970.2), dbSNP rs2145916656, ClinGen allele CA404289118.